The following is an entry in ClinVar:

ClinVar aggregate classification (germline): Uncertain significance (1 of 4 stars; one submission).

Conditions:
Developmental and epileptic encephalopathy, 42 (DEE42A). Also called: Epileptic encephalopathy, early infantile, 42; DEVELOPMENTAL AND EPILEPTIC ENCEPHALOPATHY 42A; EPILEPTIC ENCEPHALOPATHY, EARLY INFANTILE, 42A. Identifiers: MedGen C4310716, MONDO:0014917, OMIM 617106.
Episodic ataxia type 2 (EA2). Also called: ACETAZOLAMIDE-RESPONSIVE HEREDITARY PAROXYSMAL CEREBELLAR ATAXIA; ATAXIA, EPISODIC, WITH NYSTAGMUS; ATAXIA, FAMILIAL PAROXYSMAL; CEREBELLAR ATAXIA, PAROXYSMAL, ACETAZOLAMIDE-RESPONSIVE; CEREBELLOPATHY, HEREDITARY PAROXYSMAL; EPISODIC ATAXIA, NYSTAGMUS-ASSOCIATED. Identifiers: Orphanet 97, MedGen C1720416, MONDO:0007163, OMIM 108500.

Submission:

Labcorp Genetics (formerly Invitae), Labcorp
Classification: Uncertain significance for Developmental and epileptic encephalopathy, 42; Episodic ataxia type 2. Last evaluated: 2022-02-03. Review status: criteria provided, single submitter. Criteria: Invitae Variant Classification Sherloc (09022015). Collection method: clinical testing. Allele origin: germline.
Comment: In summary, the available evidence is currently insufficient to determine the role of this variant in disease. Therefore, it has been classified as a Variant of Uncertain Significance. Advanced modeling of protein sequence and biophysical properties (such as structural, functional, and spatial information, amino acid conservation, physicochemical variation, residue mobility, and thermodynamic stability) performed at Invitae indicates that this missense variant is expected to disrupt CACNA1A protein function. ClinVar contains an entry for this variant (Variation ID: 1005618). This variant has not been reported in the literature in individuals affected with CACNA1A-related conditions. This variant is not present in population databases (gnomAD no frequency). This sequence change replaces threonine, which is neutral and polar, with isoleucine, which is neutral and non-polar, at codon 1285 of the CACNA1A protein (p.Thr1285Ile).

NM_001127222.2(CACNA1A):c.3851C>T (p.Thr1284Ile)

Gene: CACNA1A (calcium voltage-gated channel subunit alpha1 A; minus strand). Cytogenetic location: 19p13.13.
Variant type: single nucleotide variant.
Coding change: c.3851C>T on transcript NM_001127222.2 (MANE Select); coding-DNA position 3851, C replaced by T.
Protein change: p.Thr1284Ile; replaces threonine 1284 with isoleucine.
Molecular consequence: missense variant.
Genome position (GRCh38, 1-based): chr19:13,277,100, G>A on the plus strand (C>T on the coding strand, the complement: CACNA1A is on the minus strand). VCF-style: chr19-13277100-G-A. GRCh37 (hg19) VCF-style: chr19-13387914-G-A.
Other names: c.3854C>T, p.Thr1285Ile (NM_001174080.2, NM_001127221.2); c.3863C>T, p.Thr1288Ile (NM_023035.3, NM_000068.4); short protein forms T1284I, T1285I, T1288I.
Identifiers: ClinVar variation 1005618 (VCV001005618.9), dbSNP rs2057169185, ClinGen allele CA404340448.